The following is an entry in ClinVar:

ClinVar aggregate classification (germline): Conflicting classifications of pathogenicity. Review status: criteria provided, conflicting classifications (1 of 4 stars). 2 submissions from 2 submitters: Uncertain significance (1); Likely benign (1). Last evaluated 2019-01-01.

Conditions:
Landau-Kleffner syndrome (FESD). Also called: APHASIA, ACQUIRED, WITH EPILEPSY; EPILEPSY, FOCAL, WITH SPEECH DISORDER AND WITH OR WITHOUT MENTAL RETARDATION. Identifiers: Orphanet 1945, Orphanet 725, Orphanet 98818, MedGen C0282512, MONDO:0009509, OMIM 245570.

Submissions (2):

Institute of Human Genetics, University of Leipzig Medical Center
Classification: Likely benign for Landau-Kleffner syndrome. Last evaluated: 2019-01-01. Review status: criteria provided, single submitter. Criteria: ACMG Guidelines, 2015. Collection method: clinical testing. Allele origin: unknown. Affected: yes.

GeneDx
Classification: Uncertain significance. Last evaluated: 2014-11-22. Review status: criteria provided, single submitter. Criteria: GeneDx Variant Classification (06012015). Collection method: clinical testing. Allele origin: germline. Affected: yes.
Comment: p.G1122D (GGT>GAT): c.3365G>A in the GRIN2A gene (NM_000833.3). The G1122D variant has not been published as a mutation, nor has it been reported as a benign polymorphism to our knowledge. It was not observed in approximately 6,500 individuals of European and African American ancestry in the NHLBI Exome Sequencing Project, indicating it is not a common benign variant in these populations. The G1122D variant is a non-conservative amino acid substitution, which is likely to impact secondary protein structure as these residues differ in polarity, charge, size and/or other properties. However, this substitution occurs at a position that is not conserved across species. Additionally, in silico analysis is inconsistent in its predictions as to whether or not the G1122D variant is damaging to the protein structure/function. The variant is found in INFANT-EPI panel(s).

NM_001134407.3(GRIN2A):c.3365G>A (p.Gly1122Asp)

Gene: GRIN2A (glutamate ionotropic receptor NMDA type subunit 2A; minus strand). Cytogenetic location: 16p13.2.
Variant type: single nucleotide variant.
Coding change: c.3365G>A on transcript NM_001134407.3 (MANE Select); coding-DNA position 3365, G replaced by A.
Protein change: p.Gly1122Asp; replaces glycine 1122 with aspartic acid.
Molecular consequence: missense variant.
Genome position (GRCh38, 1-based): chr16:9,764,179, C>T on the plus strand (G>A on the coding strand, the complement: GRIN2A is on the minus strand). VCF-style: chr16-9764179-C-T. GRCh37 (hg19) VCF-style: chr16-9858036-C-T.
Other names: p.G1122D:GGT>GAT; c.3365G>A, p.Gly1122Asp (NM_000833.5, NM_001134408.2); short protein forms G1122D.
Identifiers: ClinVar variation 205673 (VCV000205673.3), dbSNP rs760885908, ClinGen allele CA314978.